The following is an entry in ClinVar:

ClinVar aggregate classification (germline): Pathogenic (1 of 4 stars; one submission).

Submission:

ISCA site 4
Classification: Pathogenic. Last evaluated: 2011-08-12. Review status: criteria provided, single submitter. Criteria: Kaminsky et al. (Genet Med. 2011). Collection method: clinical testing. Allele origin: unknown. Affected: yes. Observed: 1 variant allele.
Comment: Copy number variation identified through the course of routine clinical cytogenomic testing in postnatal populations. Clinical assertions have been curated as described in Kaminsky et al. 2011.

GRCh38/hg38 12q23.3-24.13(chr12:105234677-112194686)x1

Genes: USP30 (ubiquitin specific peptidase 30; plus strand), USP30-AS1 (USP30 antisense RNA 1; minus strand), VHRT (ventricular heart development associated lncRNA; plus strand), VPS29 (VPS29 retromer complex component; minus strand), WSCD2 (WSC domain containing 2; plus strand) and 313 more. Cytogenetic location: 12q23.3-24.13.
Variant type: copy number loss.
Change: copy number 1 (one copy instead of two) of chr12:105,234,677-112,194,686 (6.96 Mb, GRCh38 coordinates, 1-based), cytogenetic band 12q23.3-24.13.
Identifiers: ClinVar variation 57157 (VCV000057157.1).